The following is an entry in ClinVar:

NM_001267550.2(TTN):c.103166T>A (p.Ile34389Asn)

Genes: TTN (titin; minus strand), TTN-AS1 (TTN antisense RNA 1; plus strand). Cytogenetic location: 2q31.2.
Variant type: single nucleotide variant.
Coding change: c.103166T>A on transcript NM_001267550.2 (MANE Select); coding-DNA position 103166, T replaced by A.
Protein change: p.Ile34389Asn; replaces isoleucine 34389 with asparagine.
Molecular consequence: missense variant.
Genome position (GRCh38, 1-based): chr2:178,533,449, A>T on the plus strand (T>A on the coding strand, the complement: TTN is on the minus strand). VCF-style: chr2-178533449-A-T. GRCh37 (hg19) VCF-style: chr2-179398176-A-T.
Other names: c.98243T>A, p.Ile32748Asn (NM_001256850.1); c.75971T>A, p.Ile25324Asn (NM_003319.4); c.95462T>A, p.Ile31821Asn (NM_133378.4); c.76346T>A, p.Ile25449Asn (NM_133432.3); c.76547T>A, p.Ile25516Asn (NM_133437.4); short protein forms I25324N, I32748N, I34389N, I25449N, I31821N, I25516N.
Identifiers: ClinVar variation 955248 (VCV000955248.8), dbSNP rs1575265105, ClinGen allele CA349414937.

ClinVar aggregate classification (germline): Uncertain significance (1 of 4 stars; one submission).

Conditions:
Dilated cardiomyopathy 1G (CMD1G). Identifiers: Orphanet 154, MedGen C1858763, MONDO:0011400, OMIM 604145.
Autosomal recessive limb-girdle muscular dystrophy type 2J (LGMDR10). Also called: Limb-girdle muscular dystrophy, type 2J; MUSCULAR DYSTROPHY, LIMB-GIRDLE, AUTOSOMAL RECESSIVE 10. Identifiers: Orphanet 140922, MedGen C1837342, MONDO:0012127, OMIM 608807.

Submission:

Labcorp Genetics (formerly Invitae), Labcorp
Classification: Uncertain significance for Dilated cardiomyopathy 1G; Autosomal recessive limb-girdle muscular dystrophy type 2J. Last evaluated: 2022-11-08. Review status: criteria provided, single submitter. Criteria: Invitae Variant Classification Sherloc (09022015). Collection method: clinical testing. Allele origin: germline.
Comment: In summary, the available evidence is currently insufficient to determine the role of this variant in disease. Therefore, it has been classified as a Variant of Uncertain Significance. This sequence change replaces isoleucine, which is neutral and non-polar, with asparagine, which is neutral and polar, at codon 34389 of the TTN protein (p.Ile34389Asn). This variant is not present in population databases (gnomAD no frequency). This variant has not been reported in the literature in individuals affected with TTN-related conditions. ClinVar contains an entry for this variant (Variation ID: 955248). Experimental studies and prediction algorithms are not available or were not evaluated, and the functional significance of this variant is currently unknown. This variant is located in the M band of TTN (PMID: 25589632). Variants in this region may be relevant for neuromuscular disorders, but have not been definitively shown to cause cardiomyopathy (PMID: 23975875).

Literature cited by the submitters: PubMed 25589632; PubMed 23975875.